The following is an entry in ClinVar:

NM_018908.3(PCDHA5):c.2352+34168G>A

Genes: PCDHA1 (protocadherin alpha 1; plus strand), PCDHA10 (protocadherin alpha 10; plus strand), PCDHA2 (protocadherin alpha 2; plus strand), PCDHA3 (protocadherin alpha 3; plus strand), PCDHA4 (protocadherin alpha 4; plus strand) and 6 more. Cytogenetic location: 5q31.3.
Variant type: single nucleotide variant.
Coding change: c.2352+34168G>A on transcript NM_018908.3 (MANE Select); 34168 bases into the intron after coding-DNA position 2352, G replaced by A.
Molecular consequence: intron variant. On other transcripts: synonymous variant (2).
Genome position (GRCh38, 1-based): chr5:140,858,295, G>A. VCF-style: chr5-140858295-G-A. GRCh37 (hg19) VCF-style: chr5-140237880-G-A.
Other names: c.2247G>A, p.Ser749= (NM_018901.4, NM_031859.3); c.2394+69611G>A (NM_018900.4); c.1602+70403G>A (NM_031411.3); c.2388+60943G>A (NM_018905.3); c.2394+54704G>A (NM_018906.3); c.2385+48723G>A (NM_018907.4); c.2394+27810G>A (NM_018909.4); c.1602+28602G>A (NM_031849.3); and 4 more.
Identifiers: ClinVar variation 2655785 (VCV002655785.24), dbSNP rs190932191, ClinGen allele CA3451423.

ClinVar aggregate classification (germline): Likely benign (1 of 4 stars; one submission).

Allele frequency attached by ClinVar (database versions not stated): ESP Exome Variant Server 0.00208; 1000 Genomes Project 0.00220; 1000 Genomes Project 30x 0.00265.
gnomAD v4.1: 4,219 of 1,597,346 alleles (0.26%); highest among the groups gnomAD compares: Middle Eastern, 1%; 330 homozygotes.

Submission:

CeGaT Center for Human Genetics Tuebingen
Classification: Likely benign. Last evaluated: 2026-03-01. Review status: criteria provided, single submitter. Criteria: CeGaT Center For Human Genetics Tuebingen Variant Classification Criteria Version 2. Collection method: clinical testing. Allele origin: germline. Affected: yes. Observed: 6 variant alleles.
Comment: PCDHA2: BS2; PCDHA3: BS2; PCDHA5: BS2; PCDHA6: BS2; PCDHA7: BS2; PCDHA8: BS2; PCDHA9: BS2